The following is an entry in ClinVar:

NM_001206927.2(DNAH8):c.1806G>T (p.Leu602Phe)

Gene: DNAH8 (dynein axonemal heavy chain 8; plus strand). Cytogenetic location: 6p21.2.
Variant type: single nucleotide variant.
Coding change: c.1806G>T on transcript NM_001206927.2 (MANE Select); coding-DNA position 1806, G replaced by T.
Protein change: p.Leu602Phe; replaces leucine 602 with phenylalanine.
Molecular consequence: missense variant.
Genome position (GRCh38, 1-based): chr6:38,775,795, G>T. VCF-style: chr6-38775795-G-T. GRCh37 (hg19) VCF-style: chr6-38743571-G-T.
Other names: c.1155G>T, p.Leu385Phe (NM_001371.4); short protein forms L385F, L602F.
Identifiers: ClinVar variation 3722273 (VCV003722273.2).
Genomic context (GRCh38, chr6:38,775,795, plus strand): 5'-TAACATTTCTCTTTTTAAGATTACAGAAATGATAACTGTTGTGCAAACATATTCAACCTT[G>T]AGTAATTCTACCATAGAAGGAATAGATATTATGGCAATAAAATTCAGAAATATATACCAA-3'
Protein context (NP_001193856.1, residues 592-612): MITVVQTYST[Leu602Phe]SNSTIEGIDI

ClinVar aggregate classification (germline): Uncertain significance (1 of 4 stars; one submission).

Conditions:
Primary ciliary dyskinesia. Also called: Ciliary dyskinesia. Identifiers: Orphanet 244, MedGen C0008780, MONDO:0016575, HP:0012265.

gnomAD v4.1: 2 of 1,596,646 alleles (0.00013%); highest among the groups gnomAD compares: South Asian, 0.0011%; no homozygotes.

Submission:

Labcorp Genetics (formerly Invitae), Labcorp
Classification: Uncertain significance for Primary ciliary dyskinesia. Last evaluated: 2024-10-22. Review status: criteria provided, single submitter. Criteria: Invitae Variant Classification Sherloc (09022015). Collection method: clinical testing. Allele origin: germline.
Comment: This sequence change replaces leucine, which is neutral and non-polar, with phenylalanine, which is neutral and non-polar, at codon 602 of the DNAH8 protein (p.Leu602Phe). This variant is not present in population databases (gnomAD no frequency). This variant has not been reported in the literature in individuals affected with DNAH8-related conditions. Experimental studies and prediction algorithms are not available or were not evaluated, and the functional significance of this variant is currently unknown. In summary, the available evidence is currently insufficient to determine the role of this variant in disease. Therefore, it has been classified as a Variant of Uncertain Significance.